The following is an entry in ClinVar:

NM_002755.4(MAP2K1):c.1181_*2del (p.Ter394CysextTer?)

Genes: MAP2K1 (mitogen-activated protein kinase kinase 1; plus strand), SNAPC5 (small nuclear RNA activating complex polypeptide 5; minus strand). Cytogenetic location: 15q22.31.
Variant type: Deletion.
Coding change: c.1181_*2del on transcript NM_002755.4 (MANE Select); coding-DNA position 1181 through 2 bases downstream of the stop codon, 4 bases deleted (AAGT; older notation c.1181_*2delAAGT).
Protein change: p.Ter394CysextTer?.
Molecular consequence: frameshift variant, stop lost. On other transcripts: 3 prime UTR variant (1), non-coding transcript variant (1).
Genome position (GRCh38, 1-based): chr15:66,490,614-66,490,617, AAGT deleted; deleting any 4 consecutive bases within chr15:66,490,613-66,490,617 gives the same sequence; the c. name uses the placement nearest the transcript's 3' end. VCF-style (leftmost placement, unchanged base first): chr15-66490612-CTAAG-C. GRCh37 (hg19) VCF-style: chr15-66782950-CTAAG-C.
Other names: c.*123_*126del (NM_006049.4); c.1037_*2del, p.Ter346CysextTer? (NM_001411065.1); c.1181_*2delAAGT, p.Ter394_Ter(394_?)(?) (NM_002755.3).
Identifiers: ClinVar variation 659036 (VCV000659036.8), dbSNP rs1595889609, ClinGen allele CA915946038.
Genomic context (GRCh38, chr15:66,490,612, plus strand): 5'-TTGGCTCTGCTCCACCATCGGCCTTAACCAGCCCAGCACACCAACCCATGCTGCTGGCGT[CTAAG>C]TGTTTGGGAAGCAACAAAGAGCGAGTCCCCTGCCCGGTGGTTTGCCATGTCGCTTTTGGG-3'

ClinVar aggregate classification (germline): Uncertain significance (1 of 4 stars; one submission).

Conditions:
RASopathy. Also called: rasopathies; Noonan spectrum disorder. Identifiers: Orphanet 536391, MedGen C5555857, MONDO:0021060.

Submission:

Labcorp Genetics (formerly Invitae), Labcorp
Classification: Uncertain significance for RASopathy. Last evaluated: 2018-10-03. Review status: criteria provided, single submitter. Criteria: Invitae Variant Classification Sherloc (09022015). Collection method: clinical testing. Allele origin: germline.
Comment: This variant has not been reported in the literature in individuals with MAP2K1-related disease. Experimental studies and prediction algorithms are not available for this variant, and the functional significance of the affected amino acid(s) is currently unknown. In summary, the available evidence is currently insufficient to determine the role of this variant in disease. Therefore, it has been classified as a Variant of Uncertain Significance. This variant is not present in population databases (ExAC no frequency). This sequence change disrupts the translational stop signal of the MAP2K1 mRNA. It is expected to extend the length of the MAP2K1 protein by 12 additional amino acid residues.